The following is an entry in ClinVar:

NM_001374736.1(DST):c.21995-18G>C

Gene: DST (dystonin; minus strand). Cytogenetic location: 6p12.1.
Variant type: single nucleotide variant.
Coding change: c.21995-18G>C on transcript NM_001374736.1 (MANE Select); 18 bases into the intron before coding-DNA position 21995, G replaced by C.
Molecular consequence: intron variant.
Genome position (GRCh38, 1-based): chr6:56,472,240, C>G on the plus strand (G>C on the coding strand, the complement: DST is on the minus strand). VCF-style: chr6-56472240-C-G. GRCh37 (hg19) VCF-style: chr6-56337038-C-G.
Other names: c.15638-18G>C (NM_001144769.5); c.21995-18G>C (NM_001374722.1); c.22022-18G>C (NM_001374734.1); c.15224-18G>C (NM_001144770.2); c.14777-18G>C (NM_001374730.1); c.15104-18G>C (NM_001386100.1, NM_183380.4); c.21035-18G>C (NM_001374729.1); c.14126-18G>C (NM_015548.5).
Identifiers: ClinVar variation 1600708 (VCV001600708.11), dbSNP rs7746513, ClinGen allele CA3866348.
Genomic context (GRCh38, chr6:56,472,240, plus strand): 5'-TGTGACCCAGAGGGATACAAGCTTGATGCTGGAAAGCGTTTTCCTGTGAAGGTATAACTT[C>G]GGTTAGGATGGCAGTTTCCAGGGTGCTGAAATGTGTTAAGGCTTGACCTTTTTTGCTTCT-3'

ClinVar aggregate classification (germline): Benign/Likely benign. Review status: criteria provided, multiple submitters, no conflicts (2 of 4 stars). 3 submissions from 3 submitters: Benign (1); Likely benign (2). Last evaluated 2026-02-01.

Conditions:
Hereditary sensory and autonomic neuropathy type 6. Also called: Neuropathy, hereditary sensory and autonomic, type VI; HSAN VI. Identifiers: Orphanet 314381, MedGen C3539003, MONDO:0013839, OMIM 614653.
Epidermolysis bullosa simplex 3, localized or generalized intermediate, with BP230 deficiency (EBS3). Also called: Epidermolysis bullosa simplex, autosomal recessive 2; Epidermolysis bullosa simplex due to BP230 deficiency. Identifiers: Orphanet 412181, MedGen C3809470, MONDO:0014180, OMIM 615425.

Allele frequency attached by ClinVar (database versions not stated): ESP Exome Variant Server 0.01157; 1000 Genomes Project 0.01238; TOPMed 0.01323; 1000 Genomes Project 30x 0.01374.
gnomAD v4.1: 3,505 of 1,610,896 alleles (0.22%); highest among the groups gnomAD compares: African/African-American, 4%; 56 homozygotes.

Submissions (3):

Labcorp Genetics (formerly Invitae), Labcorp
Classification: Benign for Epidermolysis bullosa simplex 3, localized or generalized intermediate, with BP230 deficiency; Hereditary sensory and autonomic neuropathy type 6. Last evaluated: 2026-02-01. Review status: criteria provided, single submitter. Criteria: Invitae Variant Classification Sherloc (09022015). Collection method: clinical testing. Allele origin: germline.

GeneDx
Classification: Likely benign. Last evaluated: 2021-05-20. Review status: criteria provided, single submitter. Criteria: GeneDx Variant Classification Process June 2021. Collection method: clinical testing. Allele origin: germline. Affected: yes.
Comment: See Variant Classification Assertion Criteria.

Breakthrough Genomics
Classification: Likely benign. Review status: criteria provided, single submitter. Criteria: ACMG Guidelines, 2015. Collection method: not provided. Allele origin: germline. Inheritance: Autosomal recessive inheritance. Affected: yes.